The following is an entry in ClinVar:

NM_000059.4(BRCA2):c.2692A>G (p.Arg898Gly)

Gene: BRCA2 (BRCA2 DNA repair associated; plus strand). Cytogenetic location: 13q13.1.
Variant type: single nucleotide variant.
Coding change: c.2692A>G on transcript NM_000059.4 (MANE Select); coding-DNA position 2692, A replaced by G.
Protein change: p.Arg898Gly; replaces arginine 898 with glycine.
Molecular consequence: missense variant.
Genome position (GRCh38, 1-based): chr13:32,337,047, A>G. VCF-style: chr13-32337047-A-G. GRCh37 (hg19) VCF-style: chr13-32911184-A-G.
Other names: c.2692A>G (NM_000059.3); short protein forms R898G.
Identifiers: ClinVar variation 1044818 (VCV001044818.11), dbSNP rs2072463015, ClinGen allele CA387773464.
Genomic context (GRCh38, chr13:32,337,047, plus strand): 5'-GACTCTGAAGAACTTTTCTCAGACAATGAGAATAATTTTGTCTTCCAAGTAGCTAATGAA[A>G]GGAATAATCTTGCTTTAGGAAATACTAAGGAACTTCATGAAACAGACTTGACTTGTGTAA-3'
Protein context (NP_000050.3, residues 888-908): NNFVFQVANE[Arg898Gly]NNLALGNTKE

ClinVar aggregate classification (germline): Conflicting classifications of pathogenicity. Review status: criteria provided, conflicting classifications (1 of 4 stars). 3 submissions from 3 submitters: Uncertain significance (2); Likely benign (1). Last evaluated 2026-02-24.

Conditions:
Hereditary cancer-predisposing syndrome. Also called: Hereditary Cancer Syndrome; Neoplastic Syndromes, Hereditary; Tumor predisposition; Hereditary neoplastic syndrome. Identifiers: Orphanet 140162, MedGen C0027672, MeSH D009386, MONDO:0015356.
Hereditary breast ovarian cancer syndrome. Also called: Breast and ovarian cancer; Hereditary breast and ovarian cancer; Hereditary breast and ovarian cancer syndrome (HBOC); BRCA1- and BRCA2-Associated Hereditary Breast and Ovarian Cancer; Hereditary breast and ovarian cancer syndrome; Hereditary breast and/or ovarian cancer syndrome. Identifiers: Orphanet 145, MedGen C0677776, MeSH D061325, MONDO:0003582. Disease mechanism: loss of function.

Submissions (3):

Ambry Genetics
Classification: Uncertain significance for Hereditary cancer-predisposing syndrome. Last evaluated: 2026-02-24. Review status: criteria provided, single submitter. Criteria: Ambry Variant Classification Scheme 2023. Collection method: clinical testing. Allele origin: germline.
Comment: The p.R898G variant (also known as c.2692A>G), located in coding exon 10 of the BRCA2 gene, results from an A to G substitution at nucleotide position 2692. The arginine at codon 898 is replaced by glycine, an amino acid with dissimilar properties. This amino acid position is conserved. In addition, this alteration is predicted to be tolerated by in silico analysis. Based on the available evidence, the clinical significance of this variant remains unclear.

Labcorp Genetics (formerly Invitae), Labcorp
Classification: Uncertain significance for Hereditary breast ovarian cancer syndrome. Last evaluated: 2024-02-15. Review status: criteria provided, single submitter. Criteria: Invitae Variant Classification Sherloc (09022015). Collection method: clinical testing. Allele origin: germline.
Comment: This sequence change replaces arginine, which is basic and polar, with glycine, which is neutral and non-polar, at codon 898 of the BRCA2 protein (p.Arg898Gly). This variant is not present in population databases (gnomAD no frequency). This variant has not been reported in the literature in individuals affected with BRCA2-related conditions. ClinVar contains an entry for this variant (Variation ID: 1044818). Advanced modeling of protein sequence and biophysical properties (such as structural, functional, and spatial information, amino acid conservation, physicochemical variation, residue mobility, and thermodynamic stability) performed at Invitae indicates that this missense variant is not expected to disrupt BRCA2 protein function with a negative predictive value of 95%. In summary, the available evidence is currently insufficient to determine the role of this variant in disease. Therefore, it has been classified as a Variant of Uncertain Significance.

University of Washington Department of Laboratory Medicine, University of Washington
Classification: Likely benign for Hereditary cancer-predisposing syndrome. Last evaluated: 2023-03-23. Review status: criteria provided, single submitter. Criteria: Dines et al. (Genet Med. 2020). Collection method: curation. Allele origin: germline.
Comment: Missense variant in a coldspot region where missense variants are very unlikely to be pathogenic (PMID:31911673).

BRCA2 exon 11 coldspot. Reclassification based on statistical prior probability.